The following is an entry in ClinVar:

ClinVar aggregate classification (germline): Pathogenic. Review status: criteria provided, multiple submitters, no conflicts (2 of 4 stars). 4 submissions from 4 submitters: Pathogenic (2). 2 of the submissions do not count toward it. Last evaluated 2025-08-28.

Conditions:
Cholestanol storage disease (CTX). Also called: CEREBRAL CHOLESTERINOSIS; Cerebrotendinous Xanthomatosis; CTX: Cerebrotendinous xanthomatosis. Identifiers: Orphanet 909, MedGen C0238052, MONDO:0008948, OMIM 213700.

Allele frequency attached by ClinVar (database versions not stated): gnomAD 0.00001; gnomAD exomes 0.00001; ExAC 0.00002.
gnomAD v4.1: 11 of 1,614,102 alleles (0.00068%); highest among the groups gnomAD compares: South Asian, 0.0044%; no homozygotes.

Submissions (4):

Natera, Inc.
Classification: Pathogenic for Cerebrotendinous xanthomatosis. Last evaluated: 2025-08-28. Review status: criteria provided, single submitter. Criteria: Natera Variant Classification Schema (03/2026). Collection method: clinical testing. Allele origin: germline.
Comment: The c.745C>T variant in CYP27A1 is a nonsense variant predicted to introduce a stop codon at amino acid 249. This variant is expected to result in nonsense mediated decay, truncation, or a dysfunctional protein product. This variant is rare in the general population with a frequency below the threshold expected for the associated phenotype(s). This variant has been observed in one or more individuals affected with the associated recessive disease, as either homozygous or compound heterozygous with a second variant (PMID: 10775536). Additionally, this variant has been observed to segregate in affected family members (PMID: 10775536). Given the available evidence, this variant is classified as Pathogenic.

Labcorp Genetics (formerly Invitae), Labcorp
Classification: Pathogenic for Cholestanol storage disease. Last evaluated: 2023-09-08. Review status: criteria provided, single submitter. Criteria: Invitae Variant Classification Sherloc (09022015). Collection method: clinical testing. Allele origin: germline.
Comment: For these reasons, this variant has been classified as Pathogenic. ClinVar contains an entry for this variant (Variation ID: 65895). This premature translational stop signal has been observed in individual(s) with cerebrotendinous xanthomatosis (PMID: 9254865, 10775536). This variant is present in population databases (rs72551316, gnomAD 0.006%). This sequence change creates a premature translational stop signal (p.Gln249*) in the CYP27A1 gene. It is expected to result in an absent or disrupted protein product. Loss-of-function variants in CYP27A1 are known to be pathogenic (PMID: 9392430, 10775536, 26937392).

Counsyl
Classification: Likely pathogenic for Cholestanol storage disease. Last evaluated: 2017-11-03. Review status: no assertion criteria provided. Collection method: clinical testing. Allele origin: unknown. Not counted in ClinVar's aggregate classification.

GeneReviews
Classification: Pathogenic for Cerebrotendinous Xanthomatosis. Last evaluated: 2013-08-01. Review status: no assertion criteria provided. Collection method: curation. Allele origin: unknown. Not counted in ClinVar's aggregate classification.
ClinVar note: Converted during submission from pathologic to Pathogenic.

Literature cited by the submitters: PubMed 10775536 (cited by 3 submitters); PubMed 9254865 (cited by Labcorp Genetics (formerly Invitae), Labcorp); PubMed 9392430 (cited by Labcorp Genetics (formerly Invitae), Labcorp); PubMed 26937392 (cited by Labcorp Genetics (formerly Invitae), Labcorp).

NM_000784.4(CYP27A1):c.745C>T (p.Gln249Ter)

Gene: CYP27A1 (cytochrome P450 family 27 subfamily A member 1; plus strand). Cytogenetic location: 2q35.
Variant type: single nucleotide variant.
Coding change: c.745C>T on transcript NM_000784.4 (MANE Select); coding-DNA position 745, C replaced by T.
Protein change: p.Gln249Ter; replaces glutamine 249 with a stop codon.
Molecular consequence: nonsense.
Genome position (GRCh38, 1-based): chr2:218,812,650, C>T. VCF-style: chr2-218812650-C-T. GRCh37 (hg19) VCF-style: chr2-219677373-C-T.
Other names: c.745C>T; short protein forms Q249*.
Identifiers: ClinVar variation 65895 (VCV000065895.12), dbSNP rs72551316, ClinGen allele CA345230.